The following is an entry in ClinVar:

NM_014861.4(ATP2C2):c.2232G>A (p.Leu744=)

Genes: ATP2C2 (ATPase secretory pathway Ca2+ transporting 2; plus strand), ATP2C2-AS1 (ATP2C2 antisense RNA 1; minus strand). Cytogenetic location: 16q24.1.
Variant type: single nucleotide variant.
Coding change: c.2232G>A on transcript NM_014861.4 (MANE Select); coding-DNA position 2232, G replaced by A.
Protein change: p.Leu744=; no amino-acid change (leucine 744 retained).
Molecular consequence: synonymous variant. On other transcripts: non-coding transcript variant (1).
Genome position (GRCh38, 1-based): chr16:84,459,285, G>A. VCF-style: chr16-84459285-G-A. GRCh37 (hg19) VCF-style: chr16-84492891-G-A.
Other names: c.2232G>A, p.Leu744= (NM_001286527.3); c.1779G>A, p.Leu593= (NM_001291454.2).
Identifiers: ClinVar variation 718293 (VCV000718293.6), dbSNP rs188467730, ClinGen allele CA8208037.

ClinVar aggregate classification (germline): Benign. Review status: criteria provided, multiple submitters, no conflicts (2 of 4 stars). 3 submissions from 3 submitters: Benign (2). 1 of the submissions does not count toward it. Last evaluated 2018-09-11.

Conditions:
ATP2C2-related disorder. Also called: ATP2C2-related condition.

Allele frequency attached by ClinVar (database versions not stated): ESP Exome Variant Server 0.00499; gnomAD 0.00532 and 0.00568; TOPMed 0.00589; 1000 Genomes Project 0.00639; 1000 Genomes Project 30x 0.00750; gnomAD exomes 0.00131; ExAC 0.00167.
gnomAD v4.1: 1,521 of 1,614,186 alleles (0.094%); highest among the groups gnomAD compares: African/African-American, 1.8%; 16 homozygotes.

Submissions (3):

Labcorp Genetics (formerly Invitae), Labcorp
Classification: Benign. Last evaluated: 2018-09-11. Review status: criteria provided, single submitter. Criteria: Invitae Variant Classification Sherloc (09022015). Collection method: clinical testing. Allele origin: germline.

Breakthrough Genomics
Classification: Benign. Review status: criteria provided, single submitter. Criteria: ACMG Guidelines, 2015. Collection method: not provided. Allele origin: germline. Inheritance: Unknown mechanism. Affected: yes.

PreventionGenetics, part of Exact Sciences
Classification: Benign for ATP2C2-related condition. Last evaluated: 2019-04-04. Review status: no assertion criteria provided. Collection method: clinical testing. Allele origin: germline. Not counted in ClinVar's aggregate classification.
Comment: This variant is classified as benign based on ACMG/AMP sequence variant interpretation guidelines (Richards et al. 2015 PMID: 25741868, with internal and published modifications).